The following is an entry in ClinVar:

NM_000138.5(FBN1):c.4915C>G (p.Leu1639Val)

Gene: FBN1 (fibrillin 1; minus strand). Cytogenetic location: 15q21.1.
Variant type: single nucleotide variant.
Coding change: c.4915C>G on transcript NM_000138.5 (MANE Select); coding-DNA position 4915, C replaced by G.
Protein change: p.Leu1639Val; replaces leucine 1639 with valine.
Molecular consequence: missense variant.
Genome position (GRCh38, 1-based): chr15:48,465,595, G>C on the plus strand (C>G on the coding strand, the complement: FBN1 is on the minus strand). VCF-style: chr15-48465595-G-C. GRCh37 (hg19) VCF-style: chr15-48757792-G-C.
Other names: c.4915C>G, p.Leu1639Val (NM_001406716.1); short protein forms L1639V.
Identifiers: ClinVar variation 1970428 (VCV001970428.5), dbSNP rs2505496831, ClinGen allele CA392351106.
Genomic context (GRCh38, chr15:48,465,595, plus strand): 5'-GCAAGACCTTATCATCCTACCAGGACCATTTACCATCACACACTCGTGTATCTTCATTCA[G>C]GTAGTAGCCGGTTGGACAGCGGCACTGGAAACTCCCAAAGGTGTTGATACATTTTCCTCC-3'
Protein context (NP_000129.3, residues 1629-1649): FQCRCPTGYY[Leu1639Val]NEDTRVCDDV

ClinVar aggregate classification (germline): Uncertain significance (1 of 4 stars; one submission).

Conditions:
Familial thoracic aortic aneurysm and aortic dissection (TAAD). Also called: Thoracic aortic aneurysms and dissections. Identifiers: Orphanet 91387, MedGen C4707243, MONDO:0019625.
Marfan syndrome (MFS). Also called: MARFAN SYNDROME, TYPE I; Marfan syndrome type 1; Marfan's syndrome; Marfan syndrome, classic; FBN1-Related Marfan Syndrome. Identifiers: Orphanet 284963, Orphanet 558, MedGen C0024796, MONDO:0007947, OMIM 154700.

Submission:

Labcorp Genetics (formerly Invitae), Labcorp
Classification: Uncertain significance for Marfan syndrome; Familial thoracic aortic aneurysm and aortic dissection. Last evaluated: 2025-06-23. Review status: criteria provided, single submitter. Criteria: Invitae Variant Classification Sherloc (09022015). Collection method: clinical testing. Allele origin: germline.
Comment: This sequence change replaces leucine, which is neutral and non-polar, with valine, which is neutral and non-polar, at codon 1639 of the FBN1 protein (p.Leu1639Val). This variant is not present in population databases (gnomAD no frequency). This variant has not been reported in the literature in individuals affected with FBN1-related conditions. ClinVar contains an entry for this variant (Variation ID: 1970428). Invitae Evidence Modeling of protein sequence and biophysical properties (such as structural, functional, and spatial information, amino acid conservation, physicochemical variation, residue mobility, and thermodynamic stability) indicates that this missense variant is expected to disrupt FBN1 protein function with a positive predictive value of 80%. In summary, the available evidence is currently insufficient to determine the role of this variant in disease. Therefore, it has been classified as a Variant of Uncertain Significance.